The following is an entry in ClinVar:

NM_005560.6(LAMA5):c.1402T>A (p.Phe468Ile)

Gene: LAMA5 (laminin subunit alpha 5; minus strand). Cytogenetic location: 20q13.33.
Variant type: single nucleotide variant.
Coding change: c.1402T>A on transcript NM_005560.6 (MANE Select); coding-DNA position 1402, T replaced by A.
Protein change: p.Phe468Ile; replaces phenylalanine 468 with isoleucine.
Molecular consequence: missense variant.
Genome position (GRCh38, 1-based): chr20:62,346,096, A>T on the plus strand (T>A on the coding strand, the complement: LAMA5 is on the minus strand). VCF-style: chr20-62346096-A-T. GRCh37 (hg19) VCF-style: chr20-60921152-A-T.
Other names: short protein forms F468I.
Identifiers: ClinVar variation 1956696 (VCV001956696.5), dbSNP rs772967505, ClinGen allele CA9943966.

ClinVar aggregate classification (germline): Uncertain significance (1 of 4 stars; one submission).

Allele frequency attached by ClinVar (database versions not stated): gnomAD exomes below 0.00001; ExAC 0.00001.
gnomAD v4.1: 1 of 1,613,010 alleles (0.000062%); highest among the groups gnomAD compares: Admixed American, 0.0017%; no homozygotes.

Submission:

Labcorp Genetics (formerly Invitae), Labcorp
Classification: Uncertain significance. Last evaluated: 2022-02-24. Review status: criteria provided, single submitter. Criteria: Invitae Variant Classification Sherloc (09022015). Collection method: clinical testing. Allele origin: germline.
Comment: In summary, the available evidence is currently insufficient to determine the role of this variant in disease. Therefore, it has been classified as a Variant of Uncertain Significance. Algorithms developed to predict the effect of missense changes on protein structure and function are either unavailable or do not agree on the potential impact of this missense change (SIFT: "Deleterious"; PolyPhen-2: "Probably Damaging"; Align-GVGD: "Class C0"). This variant has not been reported in the literature in individuals affected with LAMA5-related conditions. This variant is present in population databases (rs772967505, gnomAD 0.003%). This sequence change replaces phenylalanine, which is neutral and non-polar, with isoleucine, which is neutral and non-polar, at codon 468 of the LAMA5 protein (p.Phe468Ile).